The following is an entry in ClinVar:

NM_183050.4(BCKDHB):c.320C>G (p.Thr107Ser)

Gene: BCKDHB (branched chain keto acid dehydrogenase E1 subunit beta; plus strand). Cytogenetic location: 6q14.1.
Variant type: single nucleotide variant.
Coding change: c.320C>G on transcript NM_183050.4 (MANE Select); coding-DNA position 320, C replaced by G.
Protein change: p.Thr107Ser; replaces threonine 107 with serine.
Molecular consequence: missense variant. On other transcripts: non-coding transcript variant (1).
Genome position (GRCh38, 1-based): chr6:80,129,206, C>G. VCF-style: chr6-80129206-C-G. GRCh37 (hg19) VCF-style: chr6-80838923-C-G.
Other names: c.320C>G, p.Thr107Ser (NM_000056.5); c.110C>G, p.Thr37Ser (NM_001318975.1); short protein forms T107S, T37S.
Identifiers: ClinVar variation 1962159 (VCV001962159.2), dbSNP rs758049205, ClinGen allele CA364659228.

ClinVar aggregate classification (germline): Uncertain significance (1 of 4 stars; one submission).

Conditions:
Maple syrup urine disease (MSUD). Identifiers: Orphanet 511, MedGen C0024776, MeSH D008375, MONDO:0009563. Disease mechanism: loss of function.

Submission:

Labcorp Genetics (formerly Invitae), Labcorp
Classification: Uncertain significance for Maple syrup urine disease. Last evaluated: 2022-05-13. Review status: criteria provided, single submitter. Criteria: Invitae Variant Classification Sherloc (09022015). Collection method: clinical testing. Allele origin: germline.
Comment: This sequence change replaces threonine, which is neutral and polar, with serine, which is neutral and polar, at codon 107 of the BCKDHB protein (p.Thr107Ser). This variant is not present in population databases (gnomAD no frequency). This variant has not been reported in the literature in individuals affected with BCKDHB-related conditions. Algorithms developed to predict the effect of missense changes on protein structure and function (SIFT, PolyPhen-2, Align-GVGD) all suggest that this variant is likely to be tolerated. In summary, the available evidence is currently insufficient to determine the role of this variant in disease. Therefore, it has been classified as a Variant of Uncertain Significance.